The following is an entry in ClinVar:

NM_201384.3(PLEC):c.10521C>T (p.Asp3507=)

Gene: PLEC (plectin; minus strand). Cytogenetic location: 8q24.3.
Variant type: single nucleotide variant.
Coding change: c.10521C>T on transcript NM_201384.3 (MANE Select); coding-DNA position 10521, C replaced by T.
Protein change: p.Asp3507=; no amino-acid change (aspartic acid 3507 retained).
Molecular consequence: synonymous variant.
Genome position (GRCh38, 1-based): chr8:143,919,300, G>A on the plus strand (C>T on the coding strand, the complement: PLEC is on the minus strand). VCF-style: chr8-143919300-G-A. GRCh37 (hg19) VCF-style: chr8-144993468-G-A.
Other names: c.10602C>T, p.Asp3534= (NM_000445.5); c.10479C>T, p.Asp3493= (NM_201378.4); c.10455C>T, p.Asp3485= (NM_201379.3); c.10932C>T, p.Asp3644= (NM_201380.4); c.10425C>T, p.Asp3475= (NM_201381.3); c.10521C>T, p.Asp3507= (NM_201382.4); c.10533C>T, p.Asp3511= (NM_201383.3).
Identifiers: ClinVar variation 282393 (VCV000282393.17), dbSNP rs201905804, ClinGen allele CA4924622.

ClinVar aggregate classification (germline): Conflicting classifications of pathogenicity. Review status: criteria provided, conflicting classifications (1 of 4 stars). 4 submissions from 4 submitters: Uncertain significance (1); Likely benign (2). 1 of the submissions does not count toward it. Last evaluated 2025-11-16.

Conditions:
PLEC-related disorder. Also called: PLEC-related condition; PLEC-related disorders.
Autosomal recessive limb-girdle muscular dystrophy type 2Q (LGMDR17). Also called: MUSCULAR DYSTROPHY, LIMB-GIRDLE, AUTOSOMAL RECESSIVE 17. Identifiers: Orphanet 254361, MedGen C3150989, MONDO:0013390, OMIM 613723.
Epidermolysis bullosa simplex 5B, with muscular dystrophy (EBS5B). Also called: EPIDERMOLYSIS BULLOSA SIMPLEX AND LIMB-GIRDLE MUSCULAR DYSTROPHY; Epidermolysis bullosa simplex with muscular dystrophy. Identifiers: Orphanet 257, MedGen C2931072, MONDO:0009181, OMIM 226670.
Epidermolysis bullosa simplex with nail dystrophy (EBS5D). Identifiers: MedGen C4225309, MONDO:0014661, OMIM 616487.
Epidermolysis bullosa simplex 5C, with pyloric atresia (EBS5C). Also called: PLEC-Related Epidermolysis Bullosa with Pyloric Atresia; PLEC1-Related Epidermolysis Bullosa with Pyloric Atresia; Epidermolysis bullosa simplex with pyloric atresia. Identifiers: Orphanet 158684, MedGen C2677349, MONDO:0012807, OMIM 612138.
Epidermolysis bullosa simplex, Ogna type (EBS5A). Also called: Pidermolysis bullosa simplex 5A, Ogna type; EPIDERMOLYSIS BULLOSA SIMPLEX 5A, OGNA TYPE. Identifiers: Orphanet 79401, MedGen C0432317, MONDO:0007555, OMIM 131950.

Allele frequency attached by ClinVar (database versions not stated): 1000 Genomes Project 30x 0.00016; ESP Exome Variant Server 0.00016; gnomAD exomes 0.00016 and 0.00027; gnomAD 0.00017; 1000 Genomes Project 0.00020; TOPMed 0.00020; ExAC 0.00025.
gnomAD v4.1: 264 of 1,614,016 alleles (0.016%); highest among the groups gnomAD compares: East Asian, 0.11%; no homozygotes.

Submissions (4):

Labcorp Genetics (formerly Invitae), Labcorp
Classification: Likely benign for Autosomal recessive limb-girdle muscular dystrophy type 2Q; Epidermolysis bullosa simplex, Ogna type; Epidermolysis bullosa simplex with nail dystrophy; Epidermolysis bullosa simplex 5C, with pyloric atresia; Epidermolysis bullosa simplex 5B, with muscular dystrophy. Last evaluated: 2025-11-16. Review status: criteria provided, single submitter. Criteria: Invitae Variant Classification Sherloc (09022015). Collection method: clinical testing. Allele origin: germline.

Blueprint Genetics
Classification: Likely benign. Last evaluated: 2024-01-31. Review status: criteria provided, single submitter. Criteria: ACMG Guidelines, 2015. Collection method: clinical testing. Allele origin: germline.

Eurofins Ntd Llc (ga)
Classification: Uncertain significance. Last evaluated: 2015-08-17. Review status: criteria provided, single submitter. Criteria: EGL Classification Definitions 2015. Collection method: clinical testing. Allele origin: germline. Observed: 1 variant allele, 1 heterozygote.

PreventionGenetics, part of Exact Sciences
Classification: Likely benign for PLEC-related condition. Last evaluated: 2019-08-01. Review status: no assertion criteria provided. Collection method: clinical testing. Allele origin: germline. Not counted in ClinVar's aggregate classification.
Comment: This variant is classified as likely benign based on ACMG/AMP sequence variant interpretation guidelines (Richards et al. 2015 PMID: 25741868, with internal and published modifications).